The following is an entry in ClinVar:

ClinVar aggregate classification (germline): Uncertain significance. Review status: criteria provided, multiple submitters, no conflicts (2 of 4 stars). 3 submissions from 3 submitters: Uncertain significance (3). Last evaluated 2026-03-05.

Conditions:
MYO15A-related disorder. Also called: MYO15A-related condition.

Allele frequency attached by ClinVar (database versions not stated): ExAC 0.00001; gnomAD exomes 0.00002 and 0.00007; gnomAD 0.00003 and 0.00004; TOPMed 0.00005.

Submissions (3):

PreventionGenetics, part of Exact Sciences
Classification: Uncertain significance for MYO15A-related condition. Last evaluated: 2026-03-05. Review status: criteria provided, single submitter. Criteria: ACMG Guidelines, 2015. Collection method: clinical testing. Allele origin: germline.
Comment: The MYO15A c.754C>G variant is predicted to result in the amino acid substitution p.His252Asp. To our knowledge, this variant has not been reported in the literature. This variant is reported in 0.012% of alleles in individuals of Latino descent in gnomAD. At this time, the clinical significance of this variant is uncertain due to the absence of conclusive functional and genetic evidence.

Labcorp Genetics (formerly Invitae), Labcorp
Classification: Uncertain significance. Last evaluated: 2022-08-09. Review status: criteria provided, single submitter. Criteria: Invitae Variant Classification Sherloc (09022015). Collection method: clinical testing. Allele origin: germline.
Comment: This sequence change replaces histidine, which is basic and polar, with aspartic acid, which is acidic and polar, at codon 252 of the MYO15A protein (p.His252Asp). This variant is present in population databases (rs747721069, gnomAD 0.01%). This variant has not been reported in the literature in individuals affected with MYO15A-related conditions. ClinVar contains an entry for this variant (Variation ID: 517513). Advanced modeling of protein sequence and biophysical properties (such as structural, functional, and spatial information, amino acid conservation, physicochemical variation, residue mobility, and thermodynamic stability) performed at Invitae indicates that this missense variant is not expected to disrupt MYO15A protein function. In summary, the available evidence is currently insufficient to determine the role of this variant in disease. Therefore, it has been classified as a Variant of Uncertain Significance.

Laboratory for Molecular Medicine, Mass General Brigham Personalized Medicine
Classification: Uncertain significance. Last evaluated: 2017-08-10. Review status: criteria provided, single submitter. Criteria: LMM Criteria. Collection method: clinical testing. Allele origin: germline. Observed: 1 variant allele.
Comment: The p.His252Asp variant in MYO15A has not been previously reported in individual s with hearing loss but has been identified 4/33544 Latino chromosomes by the Ge nome Aggregation Database (gnomAD; dbSNP rs747 721069). Computational prediction tools and conservation analysis suggest that t he p.His252Asp variant may not impact the protein, though this information is no t predictive enough to rule out pathogenicity. In summary, the clinical signific ance of the p.His252Asp variant is uncertain.

NM_016239.4(MYO15A):c.754C>G (p.His252Asp)

Gene: MYO15A (myosin XVA; plus strand). Cytogenetic location: 17p11.2.
Variant type: single nucleotide variant.
Coding change: c.754C>G on transcript NM_016239.4 (MANE Select); coding-DNA position 754, C replaced by G.
Protein change: p.His252Asp; replaces histidine 252 with aspartic acid.
Molecular consequence: missense variant.
Genome position (GRCh38, 1-based): chr17:18,119,554, C>G. VCF-style: chr17-18119554-C-G. GRCh37 (hg19) VCF-style: chr17-18022868-C-G.
Other names: short protein forms H252D.
Identifiers: ClinVar variation 517513 (VCV000517513.8), dbSNP rs747721069, ClinGen allele CA8422927.
Genomic context (GRCh38, chr17:18,119,554, plus strand): 5'-CTGGGCGAGTATTATGACTATCACCGCGACGGCGACGACTACTACGACCGGCAGTCACTC[C>G]ACCGCTACGAGGAGCAGGAACCCTACCTGGCGGGCCTCGGCCCCTACAGCCCGGCCTGGC-3'
Protein context (NP_057323.3, residues 242-262): GDDYYDRQSL[His252Asp]RYEEQEPYLA